The following is an entry in ClinVar:

NM_004463.3(FGD1):c.2530G>A (p.Val844Met)

Genes: FGD1 (FYVE, RhoGEF and PH domain containing 1; minus strand), TSR2 (TSR2 ribosome maturation factor; plus strand). Cytogenetic location: Xp11.22.
Variant type: single nucleotide variant.
Coding change: c.2530G>A on transcript NM_004463.3 (MANE Select); coding-DNA position 2530, G replaced by A.
Protein change: p.Val844Met; replaces valine 844 with methionine.
Molecular consequence: missense variant. On other transcripts: 3 prime UTR variant (5).
Genome position (GRCh38, 1-based): chrX:54,447,361, C>T on the plus strand (G>A on the coding strand, the complement: FGD1 is on the minus strand). VCF-style: chrX-54447361-C-T. GRCh37 (hg19) VCF-style: chrX-54473794-C-T.
Other names: c.*2811C>T (NM_001346789.2, NM_001346790.2, NM_001346791.2 and 2 more transcripts); short protein forms V844M.
Identifiers: ClinVar variation 1700955 (VCV001700955.2), dbSNP rs199778891, ClinGen allele CA10424932.

ClinVar aggregate classification (germline): Uncertain significance (1 of 4 stars; one submission).

Allele frequency attached by ClinVar (database versions not stated): gnomAD exomes below 0.00001 and 0.00001; ExAC 0.00001; gnomAD 0.00001; TOPMed 0.00001; 1000 Genomes Project 30x 0.00021; 1000 Genomes Project 0.00026.
gnomAD v4.1: 3 of 1,210,320 alleles (0.00025%); highest among the groups gnomAD compares: African/African-American, 0.0017%; no homozygotes.

Submission:

GeneDx
Classification: Uncertain significance. Last evaluated: 2022-02-10. Review status: criteria provided, single submitter. Criteria: GeneDx Variant Classification Process June 2021. Collection method: clinical testing. Allele origin: germline. Affected: yes.
Comment: In silico analysis supports that this missense variant does not alter protein structure/function; Has not been previously published as pathogenic or benign to our knowledge